The following is an entry in ClinVar:

NM_001005361.3(DNM2):c.1676A>G (p.Lys559Arg)

Gene: DNM2 (dynamin 2; plus strand). Cytogenetic location: 19p13.2.
Variant type: single nucleotide variant.
Coding change: c.1676A>G on transcript NM_001005361.3 (MANE Select); coding-DNA position 1676, A replaced by G.
Protein change: p.Lys559Arg; replaces lysine 559 with arginine.
Molecular consequence: missense variant.
Genome position (GRCh38, 1-based): chr19:10,819,984, A>G. VCF-style: chr19-10819984-A-G. GRCh37 (hg19) VCF-style: chr19-10930660-A-G.
Other names: c.1676A>G, p.Lys559Arg (NM_001005360.3, NM_001190716.2); c.1664A>G, p.Lys555Arg (NM_001005362.3, NM_004945.4); c.1676A>G (NM_001005360.2); short protein forms K559R, K555R.
Identifiers: ClinVar variation 287898 (VCV000287898.14), dbSNP rs886043756, ClinGen allele CA10605906.

ClinVar aggregate classification (germline): Conflicting classifications of pathogenicity. Review status: criteria provided, conflicting classifications (1 of 4 stars). 3 submissions from 3 submitters: Uncertain significance (2); Likely benign (1). Last evaluated 2025-10-17.

Conditions:
Inborn genetic diseases. Identifiers: MedGen C0950123, MeSH D030342.
Charcot-Marie-Tooth disease dominant intermediate B (CMTDIB). Also called: CHARCOT-MARIE-TOOTH NEUROPATHY, DOMINANT INTERMEDIATE B; Charcot-Marie-Tooth disease dominant intermediate 1; CMT DI1; Charcot-Marie-Tooth disease dominant intermediate I. Identifiers: Orphanet 100044, Orphanet 228179, MedGen C1847902, MONDO:0011674, OMIM 606482.

Allele frequency attached by ClinVar (database versions not stated): gnomAD exomes below 0.00001; gnomAD 0.00001; TOPMed 0.00001.
gnomAD v4.1: 4 of 1,614,004 alleles (0.00025%); highest among the groups gnomAD compares: Admixed American, 0.0017%; no homozygotes.

Submissions (3):

Ambry Genetics
Classification: Uncertain significance for Inborn genetic diseases. Last evaluated: 2025-10-17. Review status: criteria provided, single submitter. Criteria: Ambry Variant Classification Scheme 2023. Collection method: clinical testing. Allele origin: germline.
Comment: The c.1676A>G (p.K559R) alteration is located in exon 16 (coding exon 16) of the DNM2 gene. This alteration results from a A to G substitution at nucleotide position 1676, causing the lysine (K) at amino acid position 559 to be replaced by an arginine (R). Based on data from gnomAD, the G allele has an overall frequency of <0.001% (1/251438) total alleles studied. The highest observed frequency was 0.003% (1/34590) of Latino alleles. Based on insufficient or conflicting evidence, the clinical significance of this alteration remains unclear.

Labcorp Genetics (formerly Invitae), Labcorp
Classification: Likely benign for Charcot-Marie-Tooth disease dominant intermediate B. Last evaluated: 2024-12-16. Review status: criteria provided, single submitter. Criteria: Invitae Variant Classification Sherloc (09022015). Collection method: clinical testing. Allele origin: germline.

Eurofins Ntd Llc (ga)
Classification: Uncertain significance. Last evaluated: 2016-08-16. Review status: criteria provided, single submitter. Criteria: EGL Classification Definitions 2015. Collection method: clinical testing. Allele origin: germline. Observed: 1 variant allele, 1 heterozygote.